The following is an entry in ClinVar:

ClinVar aggregate classification (germline): Conflicting classifications of pathogenicity. Review status: criteria provided, conflicting classifications (1 of 4 stars). 5 submissions from 5 submitters: Uncertain significance (4); Likely benign (1). Last evaluated 2026-01-18.

Conditions:
Hyperkalemic periodic paralysis. Also called: Gamstorp disease; Familial hyperkalemic periodic paralysis. Identifiers: Orphanet 682, MedGen C0238357, MONDO:0008224, OMIM 170500, HP:0007215.
Inborn genetic diseases. Identifiers: MedGen C0950123, MeSH D030342.

Allele frequency attached by ClinVar (database versions not stated): gnomAD exomes 0.00002; ESP Exome Variant Server 0.00015; 1000 Genomes Project 30x 0.00016; TOPMed 0.00022; gnomAD 0.00030.
gnomAD v4.1: 70 of 1,614,118 alleles (0.0043%); highest among the groups gnomAD compares: African/African-American, 0.092%; no homozygotes.

Submissions (5):

Labcorp Genetics (formerly Invitae), Labcorp
Classification: Likely benign for Hyperkalemic periodic paralysis. Last evaluated: 2026-01-18. Review status: criteria provided, single submitter. Criteria: Invitae Variant Classification Sherloc (09022015). Collection method: clinical testing. Allele origin: germline.

Mayo Clinic Laboratories, Mayo Clinic
Classification: Uncertain significance. Last evaluated: 2023-02-23. Review status: criteria provided, single submitter. Criteria: ACMG Guidelines, 2015. Collection method: clinical testing. Allele origin: germline. Observed: 1 variant allele.
Comment: BP4

Ambry Genetics
Classification: Uncertain significance for Inborn genetic diseases. Last evaluated: 2022-03-29. Review status: criteria provided, single submitter. Criteria: Ambry Variant Classification Scheme 2023. Collection method: clinical testing. Allele origin: germline.

Revvity Omics, Revvity
Classification: Uncertain significance. Last evaluated: 2021-07-06. Review status: criteria provided, single submitter. Criteria: ACMG Guidelines, 2015. Collection method: clinical testing. Allele origin: germline.

GeneDx
Classification: Uncertain significance. Last evaluated: 2021-01-04. Review status: criteria provided, single submitter. Criteria: GeneDx Variant Classification Process June 2021. Collection method: clinical testing. Allele origin: germline. Affected: yes.
Comment: In silico analysis supports that this missense variant does not alter protein structure/function; Has not been previously published as pathogenic or benign to our knowledge

NM_000334.4(SCN4A):c.2200G>T (p.Ala734Ser)

Genes: GH-LCR (growth hormone locus control region; plus strand), SCN4A (sodium voltage-gated channel alpha subunit 4; minus strand). Cytogenetic location: 17q23.3.
Variant type: single nucleotide variant.
Coding change: c.2200G>T on transcript NM_000334.4 (MANE Select); coding-DNA position 2200, G replaced by T.
Protein change: p.Ala734Ser; replaces alanine 734 with serine.
Molecular consequence: missense variant.
Genome position (GRCh38, 1-based): chr17:63,957,338, C>A on the plus strand (G>T on the coding strand, the complement: SCN4A is on the minus strand). VCF-style: chr17-63957338-C-A. GRCh37 (hg19) VCF-style: chr17-62034698-C-A.
Other names: p.Ala734Ser; short protein forms A734S.
Identifiers: ClinVar variation 477405 (VCV000477405.17), dbSNP rs199651516, ClinGen allele CA8709637.